The following is an entry in ClinVar:

ClinVar aggregate classification (germline): Uncertain significance (1 of 4 stars; one submission).

Allele frequency attached by ClinVar (database versions not stated): gnomAD exomes below 0.00001.
gnomAD v4.1: 1 of 1,613,848 alleles (0.000062%); highest among the groups gnomAD compares: Non-Finnish European, 0.000085%; no homozygotes.

Submission:

Labcorp Genetics (formerly Invitae), Labcorp
Classification: Uncertain significance. Last evaluated: 2022-09-06. Review status: criteria provided, single submitter. Criteria: Invitae Variant Classification Sherloc (09022015). Collection method: clinical testing. Allele origin: germline.
Comment: ClinVar contains an entry for this variant (Variation ID: 1509191). Disruption of this splice site has been observed in individual(s) with clinical features of BEST1-related conditions (PMID: 32278767). This variant is not present in population databases (gnomAD no frequency). This sequence change affects an acceptor splice site in intron 10 of the BEST1 gene. While this variant is not anticipated to result in nonsense mediated decay, it likely alters RNA splicing and results in a disrupted protein product. Variants that disrupt the consensus splice site are a relatively common cause of aberrant splicing (PMID: 17576681, 9536098). Algorithms developed to predict the effect of sequence changes on RNA splicing suggest that this variant may disrupt the consensus splice site. In summary, the available evidence is currently insufficient to determine the role of this variant in disease. Therefore, it has been classified as a Variant of Uncertain Significance.

Literature cited by the submitters: PubMed 32278767; PubMed 17576681; PubMed 9536098.

NM_004183.4(BEST1):c.1740-2A>C

Gene: BEST1 (bestrophin 1; plus strand). Cytogenetic location: 11q12.3.
Variant type: single nucleotide variant.
Coding change: c.1740-2A>C on transcript NM_004183.4 (MANE Select); the canonical splice acceptor site of the intron before coding-DNA position 1740, A replaced by C.
Molecular consequence: splice acceptor variant.
Genome position (GRCh38, 1-based): chr11:61,964,102, A>C. VCF-style: chr11-61964102-A-C. GRCh37 (hg19) VCF-style: chr11-61731574-A-C.
Other names: c.*953A>C (NM_001139443.3, NM_001363591.3, NM_001363593.3); c.*1843A>C (NM_001363592.2); c.1560-2A>C (NM_001300787.2); c.1479-2A>C (NM_001300786.2).
Identifiers: ClinVar variation 1509191 (VCV001509191.8), dbSNP rs1190983296, ClinGen allele CA380853208.